The following is an entry in ClinVar:

ClinVar aggregate classification (germline): Uncertain significance (1 of 4 stars; one submission).

Conditions:
Tietz syndrome (TADS). Also called: TIETZ ALBINISM-DEAFNESS SYNDROME; HYPOPIGMENTATION/DEAFNESS OF TIETZ; ALBINISM-DEAFNESS OF TIETZ. Identifiers: Orphanet 42665, MedGen C0391816, MONDO:0007077, OMIM 103500.
Waardenburg syndrome type 2A (WS2A). Also called: WAARDENBURG SYNDROME WITHOUT DYSTOPIA CANTHORUM. Identifiers: Orphanet 3440, MedGen C1860339, MONDO:0008671, OMIM 193510.
Melanoma, cutaneous malignant, susceptibility to, 8. Also called: Cutaneous malignant melanoma 8; MELANOMA AND RENAL CELL CARCINOMA, SUSCEPTIBILITY TO. Identifiers: Orphanet 293822, MedGen C3152204, MONDO:0013759, OMIM 614456.

Allele frequency attached by ClinVar (database versions not stated): gnomAD exomes below 0.00001.
gnomAD v4.1: 1 of 1,614,106 alleles (0.000062%); highest among the groups gnomAD compares: Non-Finnish European, 0.000085%; no homozygotes.

Submission:

Labcorp Genetics (formerly Invitae), Labcorp
Classification: Uncertain significance for Melanoma, cutaneous malignant, susceptibility to, 8; Waardenburg syndrome type 2A; Tietz syndrome. Last evaluated: 2022-04-19. Review status: criteria provided, single submitter. Criteria: Invitae Variant Classification Sherloc (09022015). Collection method: clinical testing. Allele origin: germline.
Comment: In summary, the available evidence is currently insufficient to determine the role of this variant in disease. Therefore, it has been classified as a Variant of Uncertain Significance. Algorithms developed to predict the effect of missense changes on protein structure and function are either unavailable or do not agree on the potential impact of this missense change (SIFT: "Tolerated"; PolyPhen-2: "Probably Damaging"; Align-GVGD: "Class C0"). This variant has not been reported in the literature in individuals affected with MITF-related conditions. This variant is not present in population databases (gnomAD no frequency). This sequence change replaces glutamine, which is neutral and polar, with leucine, which is neutral and non-polar, at codon 25 of the MITF protein (p.Gln25Leu).

NM_001354604.2(MITF):c.395A>T (p.Gln132Leu)

Gene: MITF (melanocyte inducing transcription factor; plus strand). Cytogenetic location: 3p13.
Variant type: single nucleotide variant.
Coding change: c.395A>T on transcript NM_001354604.2 (MANE Select); coding-DNA position 395, A replaced by T.
Protein change: p.Gln132Leu; replaces glutamine 132 with leucine.
Molecular consequence: missense variant.
Genome position (GRCh38, 1-based): chr3:69,937,862, A>T. VCF-style: chr3-69937862-A-T. GRCh37 (hg19) VCF-style: chr3-69987013-A-T.
Other names: c.74A>T, p.Gln25Leu (NM_000248.4, NM_001184968.2, NM_198158.3 and 1 more transcripts); c.239A>T, p.Gln80Leu (NM_001184967.2, NM_001354608.2); c.392A>T, p.Gln131Leu (NM_001354605.2, NM_001354606.2, NM_006722.3); c.344A>T, p.Gln115Leu (NM_001354607.2); c.395A>T, p.Gln132Leu (NM_198159.3); c.347A>T, p.Gln116Leu (NM_198177.3); short protein forms Q132L, Q131L, Q25L, Q115L, Q116L, Q80L.
Identifiers: ClinVar variation 2127965 (VCV002127965.4), dbSNP rs2471584851, ClinGen allele CA353560339.